The following is an entry in ClinVar:

NM_000088.4(COL1A1):c.3529G>A (p.Val1177Ile)

Gene: COL1A1 (collagen type I alpha 1 chain; minus strand). Cytogenetic location: 17q21.33.
Variant type: single nucleotide variant.
Coding change: c.3529G>A on transcript NM_000088.4 (MANE Select); coding-DNA position 3529, G replaced by A.
Protein change: p.Val1177Ile; replaces valine 1177 with isoleucine.
Molecular consequence: missense variant.
Genome position (GRCh38, 1-based): chr17:50,187,017, C>T on the plus strand (G>A on the coding strand, the complement: COL1A1 is on the minus strand). VCF-style: chr17-50187017-C-T. GRCh37 (hg19) VCF-style: chr17-48264378-C-T.
Other names: short protein forms V1177I.
Identifiers: ClinVar variation 959335 (VCV000959335.10), dbSNP rs41316719, ClinGen allele CA291542902.

ClinVar aggregate classification (germline): Uncertain significance (1 of 4 stars; one submission).

Conditions:
Osteogenesis imperfecta type I (OI1). Also called: Lobstein's Disease; OI, TYPE I; OSTEOGENESIS IMPERFECTA TARDA; OSTEOGENESIS IMPERFECTA WITH BLUE SCLERAE; Lobstein disease; Osteogenesis imperfecta type 1. Identifiers: Orphanet 216796, Orphanet 666, MedGen C0023931, MONDO:0008146, OMIM 166200. Disease mechanism: loss of function.

Allele frequency attached by ClinVar (database versions not stated): gnomAD exomes below 0.00001; gnomAD 0.00001.
gnomAD v4.1: 4 of 1,613,348 alleles (0.00025%); highest among the groups gnomAD compares: East Asian, 0.0045%; no homozygotes.

Submission:

Labcorp Genetics (formerly Invitae), Labcorp
Classification: Uncertain significance for Osteogenesis imperfecta type I. Last evaluated: 2019-08-22. Review status: criteria provided, single submitter. Criteria: Invitae Variant Classification Sherloc (09022015). Collection method: clinical testing. Allele origin: germline.
Comment: In summary, the available evidence is currently insufficient to determine the role of this variant in disease. Therefore, it has been classified as a Variant of Uncertain Significance. Algorithms developed to predict the effect of missense changes on protein structure and function are either unavailable or do not agree on the potential impact of this missense change (SIFT: "Tolerated"; PolyPhen-2: "Not Available"; Align-GVGD: "Class C0"). This variant has been observed in an individual with osteoporosis (PMID: 24273577). This variant is not present in population databases (ExAC no frequency). This sequence change replaces valine with isoleucine at codon 1177 of the COL1A1 protein (p.Val1177Ile). The valine residue is weakly conserved and there is a small physicochemical difference between valine and isoleucine.

Literature cited by the submitters: PubMed 24273577.